The following continues an entry in ClinVar:

NM_000059.4(BRCA2):c.352C>T (p.Arg118Cys)

Gene: BRCA2. ClinVar aggregate classification (germline): Conflicting classifications of pathogenicity. Uncertain significance (9); Benign (1); Likely benign (3).

Submissions 11 to 15 of 15:

ARUP Laboratories, Molecular Genetics and Genomics, ARUP Laboratories
Classification: Uncertain significance. Last evaluated: 2018-09-11. Review status: criteria provided, single submitter. Criteria: ARUP Molecular Germline Variant Investigation Process. Collection method: clinical testing. Allele origin: germline.
Comment: The BRCA2 c.352C>T; p.Arg118Cys variant (rs375125172), is reported in the literature in at least one individual affected with breast cancer (Zhong 2016). This variant is reported with conflicting classifications in ClinVar (Variation ID: 91803), and is found in the African population with an overall allele frequency of 0.03% (4/15,298 alleles) in the Genome Aggregation Database. The arginine at codon 118 is weakly conserved, and computational analyses (SIFT, PolyPhen-2) predict that this variant is tolerated. Due to limited information, the clinical significance of the p.Arg118Cys variant is uncertain at this time. References: Zhong X et al. Prevalence and Prognostic Role of BRCA1/2 Variants in Unselected Chinese Breast Cancer Patients. PLoS One. 2016 Jun 3;11(6):e0156789.

Color Diagnostics, LLC DBA Color Health
Classification: Likely benign for Hereditary cancer-predisposing syndrome. Last evaluated: 2015-12-08. Review status: criteria provided, single submitter. Criteria: ACMG Guidelines, 2015. Collection method: clinical testing. Allele origin: germline.

Laboratory of Molecular Diagnosis of Cancer, West China Hospital, Sichuan University
Classification: Uncertain significance for Breast neoplasm. Last evaluated: 2015-11-01. Review status: criteria provided, single submitter. Criteria: ACMG Guidelines, 2015. Collection method: research. Allele origin: germline. Affected: yes. Observed: 1 variant allele.

Sharing Clinical Reports Project (SCRP)
Classification: Uncertain significance for Breast-ovarian cancer, familial 2. Last evaluated: 2006-12-06. Review status: no assertion criteria provided. Collection method: clinical testing. Allele origin: germline. Not counted in ClinVar's aggregate classification.

Department of Pathology and Laboratory Medicine, Sinai Health System
Classification: Uncertain significance. Review status: no assertion criteria provided. Collection method: clinical testing. Allele origin: unknown. Affected: yes. Study: The Canadian Open Genetics Repository (COGR). Not counted in ClinVar's aggregate classification.
Comment: The BRCA2 p.Arg118Cys variant was not identified in the literature nor was it identified in the following databases: GeneInsight-COGR, MutDB, BIC, ARUP Laboratories, or Zhejiang Colon Cancer Database. The variant was identified in dbSNP (ID: rs375125172) as With Uncertain significance allele, ClinVar (classified as likely benign by Ambry Genetics; classified as uncertain significance by GeneDx, Invitae, SCRP), Cosmic (classified as Neutral (score 0.00)), LOVD 3.0, and UMD-LSDB (4X classified as unclassified variant). The variant was identified in control databases in 9 of 245844 chromosomes at a frequency of 0.000037 (Genome Aggregation Consortium Feb 27, 2017). The p.Arg118 residue is not conserved in mammals and four out of five computational analyses (PolyPhen-2, SIFT, AlignGVGD, BLOSUM, MutationTaster) do not suggest a high likelihood of impact to the protein; however, this information is not predictive enough to rule out pathogenicity. The variant occurs outside of the splicing consensus sequence and in silico or computational prediction software programs (SpliceSiteFinder, MaxEntScan, NNSPLICE, GeneSplicer, HumanSpliceFinder) do not predict a difference in splicing. The variant is located with the Breast cancer type 2 susceptibility protein functional domain, the clinical significance of which is uncertain. In summary, based on the above information, the clinical significance of this variant cannot be determined with certainty at this time. This variant is classified as a variant of uncertain significance.

Literature cited by the submitters: PubMed 27257965 (cited by 4 submitters); PubMed 25846551 (cited by Women's Health and Genetics/Laboratory Corporation of America, LabCorp); PubMed 30702160 (cited by 3 submitters); PubMed 30883759 (cited by Women's Health and Genetics/Laboratory Corporation of America, LabCorp and Quest Diagnostics Nichols Institute San Juan Capistrano); PubMed 36011273 (cited by Women's Health and Genetics/Laboratory Corporation of America, LabCorp and Quest Diagnostics Nichols Institute San Juan Capistrano); PubMed 30287823 (cited by Quest Diagnostics Nichols Institute San Juan Capistrano and Sema4); PubMed 33471991 (cited by Quest Diagnostics Nichols Institute San Juan Capistrano and Sema4); PubMed 31825140 (cited by Quest Diagnostics Nichols Institute San Juan Capistrano and Sema4); PubMed 35127508 (cited by Quest Diagnostics Nichols Institute San Juan Capistrano); PubMed 31131967 (cited by Quest Diagnostics Nichols Institute San Juan Capistrano); PubMed 33309985 (cited by Quest Diagnostics Nichols Institute San Juan Capistrano); PubMed 32885271 (cited by Quest Diagnostics Nichols Institute San Juan Capistrano).